The following is an entry in ClinVar:

ClinVar aggregate classification (germline): Uncertain significance. Review status: criteria provided, multiple submitters, no conflicts (2 of 4 stars). 4 submissions from 4 submitters: Uncertain significance (4). Last evaluated 2024-06-20.

Conditions:
Hereditary cancer-predisposing syndrome. Also called: Tumor predisposition; Neoplastic Syndromes, Hereditary; Hereditary Cancer Syndrome; Hereditary neoplastic syndrome. Identifiers: Orphanet 140162, MedGen C0027672, MeSH D009386, MONDO:0015356.
Hereditary nonpolyposis colorectal neoplasms. Identifiers: MedGen C0009405, MeSH D003123.

gnomAD v4.1: 1 of 1,614,144 alleles (0.000062%); no homozygotes.

Submissions (4):

Ambry Genetics
Classification: Uncertain significance for Hereditary cancer-predisposing syndrome. Last evaluated: 2024-06-20. Review status: criteria provided, single submitter. Criteria: Ambry Variant Classification Scheme 2023. Collection method: clinical testing. Allele origin: germline.
Comment: The p.I464T variant (also known as c.1391T>C), located in coding exon 4 of the MSH6 gene, results from a T to C substitution at nucleotide position 1391. The isoleucine at codon 464 is replaced by threonine, an amino acid with similar properties. This amino acid position is well conserved in available vertebrate species. In addition, the in silico prediction for this alteration is inconclusive. Based on the available evidence, the clinical significance of this variant remains unclear.

Color Diagnostics, LLC DBA Color Health
Classification: Uncertain significance for Hereditary cancer-predisposing syndrome. Last evaluated: 2024-03-06. Review status: criteria provided, single submitter. Criteria: ACMG Guidelines, 2015. Collection method: clinical testing. Allele origin: germline.
Comment: This missense variant replaces isoleucine with threonine at codon 464 of the MSH6 protein. Computational prediction tool suggests that this variant may not impact protein structure and function (internally defined REVEL score threshold <=0.5, PMID: 27666373). Splice site prediction tools suggest that this variant may not impact RNA splicing. To our knowledge, functional studies have not been performed for this variant. This variant has not been reported in individuals affected with hereditary cancer in the literature. This variant has not been identified in the general population by the Genome Aggregation Database (gnomAD). The available evidence is insufficient to determine the role of this variant in disease conclusively. Therefore, this variant is classified as a Variant of Uncertain Significance.

Labcorp Genetics (formerly Invitae), Labcorp
Classification: Uncertain significance for Hereditary nonpolyposis colorectal neoplasms. Last evaluated: 2021-10-21. Review status: criteria provided, single submitter. Criteria: Invitae Variant Classification Sherloc (09022015). Collection method: clinical testing. Allele origin: germline.
Comment: Algorithms developed to predict the effect of missense changes on protein structure and function are either unavailable or do not agree on the potential impact of this missense change (SIFT: "Tolerated"; PolyPhen-2: "Probably Damaging"; Align-GVGD: "Class C0"). In summary, the available evidence is currently insufficient to determine the role of this variant in disease. Therefore, it has been classified as a Variant of Uncertain Significance. This variant has not been reported in the literature in individuals affected with MSH6-related conditions. This variant is not present in population databases (ExAC no frequency). This sequence change replaces isoleucine with threonine at codon 464 of the MSH6 protein (p.Ile464Thr). The isoleucine residue is moderately conserved and there is a moderate physicochemical difference between isoleucine and threonine.

Quest Diagnostics Nichols Institute San Juan Capistrano
Classification: Uncertain significance. Last evaluated: 2019-04-04. Review status: criteria provided, single submitter. Criteria: Quest Diagnostics criteria. Collection method: clinical testing. Allele origin: germline.

NM_000179.3(MSH6):c.1391T>C (p.Ile464Thr)

Gene: MSH6 (mutS homolog 6; plus strand). Cytogenetic location: 2p16.3.
Variant type: single nucleotide variant.
Coding change: c.1391T>C on transcript NM_000179.3 (MANE Select); coding-DNA position 1391, T replaced by C.
Protein change: p.Ile464Thr; replaces isoleucine 464 with threonine.
Molecular consequence: missense variant.
Genome position (GRCh38, 1-based): chr2:47,799,374, T>C. VCF-style: chr2-47799374-T-C. GRCh37 (hg19) VCF-style: chr2-48026513-T-C.
Other names: c.1001T>C, p.Ile334Thr (NM_001281492.2); c.485T>C, p.Ile162Thr (NM_001281493.2, NM_001281494.2); short protein forms I162T, I334T, I464T.
Identifiers: ClinVar variation 801217 (VCV000801217.17), dbSNP rs1572722813, ClinGen allele CA346745110.
Genomic context (GRCh38, chr2:47,799,374, plus strand): 5'-TCAGTGAACTGGGGCTGGTATTCATGAAAGGCAACTGGGCCCATTCTGGCTTTCCTGAAA[T>C]TGCATTTGGCCGTTATTCAGATTCCCTGGTGCAGAAGGGCTATAAAGTAGCACGAGTGGA-3'
Protein context (NP_000170.1, residues 454-474): GNWAHSGFPE[Ile464Thr]AFGRYSDSLV